The following is an entry in ClinVar:

NM_015705.6(SGSM3):c.1422del (p.Asn473_Tyr474insTer)

Gene: SGSM3 (small G protein signaling modulator 3; plus strand). Cytogenetic location: 22q13.1.
Variant type: Deletion.
Coding change: c.1422del on transcript NM_015705.6 (MANE Select); coding-DNA position 1422, one base deleted (C; older notation c.1422delC).
Protein change: p.Asn473_Tyr474insTer.
Molecular consequence: nonsense. On other transcripts: non-coding transcript variant (4).
Genome position (GRCh38, 1-based): chr22:40,407,466, C deleted. VCF-style (leftmost placement, unchanged base first): chr22-40407465-AC-A. GRCh37 (hg19) VCF-style: chr22-40803469-AC-A.
Other names: c.1233del, p.Asn410_Tyr411insTer (NM_001301849.2, NM_001350042.2, NM_001350044.2 and 1 more transcripts); c.1422del, p.Asn473_Tyr474insTer (NM_001350039.2, NM_001350040.2, NM_001350041.2); c.1221del, p.Asn406_Tyr407insTer (NM_001350043.2, NM_001350046.2, NM_001350047.2); c.924del, p.Asn307_Tyr308insTer (NM_001350048.2).
Identifiers: ClinVar variation 4880665 (VCV004880665.2).
Genomic context (GRCh38, chr22:40,407,465, plus strand): 5'-TGTGGCAGGAGCTGACTCCAGACTATAGCATGGAGAGCCACCAGCGGGACCACGAGAACT[AC>A]GTGGCGTGCTCACGCAGCCACCGGCGCCGAGCCAAGGCCCTGCTGGACTTTGAGCGGCAC-3'

ClinVar aggregate classification (germline): Likely pathogenic (1 of 4 stars; one submission).

Conditions:
Intellectual developmental disorder, autosomal recessive 84. Identifiers: MedGen C6065961, MONDO:0980746, OMIM 620401.

Submission:

Dasa
Classification: Likely pathogenic for Intellectual developmental disorder, autosomal recessive 84. Last evaluated: 2026-02-23. Review status: criteria provided, single submitter. Criteria: DASA Assertion Criteria. Collection method: clinical testing. Allele origin: germline.
Comment: NM_015705.6(SGSM3):c.1422del (p.Tyr474*) is a frameshift variant in SGSM3 predicted to alter the reading frame and introduce a premature termination codon and is predicted to result in an absent or altered protein product. Loss of function is an established disease mechanism for SGSM3-associated disorders. Also, this variant is rare in population databases. Based on the currently available evidence, this variant is classified as likely pathogenic.